The following is an entry in ClinVar:

NM_004304.5(ALK):c.2633G>A (p.Gly878Asp)

Gene: ALK (ALK receptor tyrosine kinase; minus strand). Cytogenetic location: 2p23.2.
Variant type: single nucleotide variant.
Coding change: c.2633G>A on transcript NM_004304.5 (MANE Select); coding-DNA position 2633, G replaced by A.
Protein change: p.Gly878Asp; replaces glycine 878 with aspartic acid.
Molecular consequence: missense variant.
Genome position (GRCh38, 1-based): chr2:29,229,066, C>T on the plus strand (G>A on the coding strand, the complement: ALK is on the minus strand). VCF-style: chr2-29229066-C-T. GRCh37 (hg19) VCF-style: chr2-29451932-C-T.
Other names: short protein forms G878D.
Identifiers: ClinVar variation 842359 (VCV000842359.13), dbSNP rs1664106372, ClinGen allele CA346470138.

ClinVar aggregate classification (germline): Uncertain significance. Review status: criteria provided, multiple submitters, no conflicts (2 of 4 stars). 2 submissions from 2 submitters: Uncertain significance (2). Last evaluated 2024-10-20.

Conditions:
Neuroblastoma, susceptibility to, 3. Also called: ALK-Related Neuroblastic Tumor Susceptibility. Identifiers: Orphanet 635, MedGen C2751681, MONDO:0013083, OMIM 613014.
Hereditary cancer-predisposing syndrome. Also called: Neoplastic Syndromes, Hereditary; Hereditary neoplastic syndrome; Tumor predisposition; Hereditary Cancer Syndrome. Identifiers: Orphanet 140162, MedGen C0027672, MeSH D009386, MONDO:0015356.

Submissions (2):

Ambry Genetics
Classification: Uncertain significance for Hereditary cancer-predisposing syndrome. Last evaluated: 2024-10-20. Review status: criteria provided, single submitter. Criteria: Ambry Variant Classification Scheme 2023. Collection method: clinical testing. Allele origin: germline.
Comment: The p.G878D variant (also known as c.2633G>A) is located in coding exon 16 of the ALK gene. The glycine at codon 878 is replaced by aspartic acid, an amino acid with similar properties. This change occurs in the first base pair of coding exon 16. This amino acid position is conserved. In addition, this alteration is predicted to be tolerated by in silico analysis. Since supporting evidence is limited at this time, the clinical significance of this alteration remains unclear.

Labcorp Genetics (formerly Invitae), Labcorp
Classification: Uncertain significance for Neuroblastoma, susceptibility to, 3. Last evaluated: 2024-01-28. Review status: criteria provided, single submitter. Criteria: Invitae Variant Classification Sherloc (09022015). Collection method: clinical testing. Allele origin: germline.
Comment: This sequence change replaces glycine, which is neutral and non-polar, with aspartic acid, which is acidic and polar, at codon 878 of the ALK protein (p.Gly878Asp). This variant is not present in population databases (gnomAD no frequency). This variant has not been reported in the literature in individuals affected with ALK-related conditions. ClinVar contains an entry for this variant (Variation ID: 842359). An algorithm developed to predict the effect of missense changes on protein structure and function (PolyPhen-2) suggests that this variant is likely to be disruptive. In summary, the available evidence is currently insufficient to determine the role of this variant in disease. Therefore, it has been classified as a Variant of Uncertain Significance.